The following is an entry in ClinVar:

NM_006494.4(ERF):c.399G>A (p.Pro133=)

Gene: ERF (ETS2 repressor factor; minus strand). Cytogenetic location: 19q13.2.
Variant type: single nucleotide variant.
Coding change: c.399G>A on transcript NM_006494.4 (MANE Select); coding-DNA position 399, G replaced by A.
Protein change: p.Pro133=; no amino-acid change (proline 133 retained).
Molecular consequence: synonymous variant.
Genome position (GRCh38, 1-based): chr19:42,249,713, C>T on the plus strand (G>A on the coding strand, the complement: ERF is on the minus strand). VCF-style: chr19-42249713-C-T. GRCh37 (hg19) VCF-style: chr19-42753865-C-T.
Other names: c.174G>A, p.Pro58= (NM_001301035.2, NM_001308402.2, NM_001312656.2).
Identifiers: ClinVar variation 3047901 (VCV003047901.2), dbSNP rs201132767, ClinGen allele CA9471408.

ClinVar aggregate classification (germline): Likely benign (0 of 4 stars; one submission).

Conditions:
ERF-related disorder. Also called: ERF-related disorders; ERF-related condition.

Allele frequency attached by ClinVar (database versions not stated): gnomAD 0.00004; 1000 Genomes Project 30x 0.00016; 1000 Genomes Project 0.00020.

Submission:

PreventionGenetics, part of Exact Sciences
Classification: Likely benign for ERF-related condition. Last evaluated: 2019-03-06. Review status: no assertion criteria provided. Collection method: clinical testing. Allele origin: germline.
Comment: This variant is classified as likely benign based on ACMG/AMP sequence variant interpretation guidelines (Richards et al. 2015 PMID: 25741868, with internal and published modifications).